The following is an entry in ClinVar:

ClinVar aggregate classification (germline): Uncertain significance (1 of 4 stars; one submission).

Conditions:
Intellectual developmental disorder, autosomal dominant 1. Also called: Intellectual disability, autosomal dominant 1; MBD5 Haploinsufficiency. Identifiers: Orphanet 228402, MedGen C1969562, MONDO:0007974, OMIM 156200.

Allele frequency attached by ClinVar (database versions not stated): gnomAD exomes below 0.00001; TOPMed below 0.00001; gnomAD 0.00001.
gnomAD v4.1: 2 of 1,614,072 alleles (0.00012%); highest among the groups gnomAD compares: Non-Finnish European, 0.00017%; no homozygotes.

Submission:

Labcorp Genetics (formerly Invitae), Labcorp
Classification: Uncertain significance for Intellectual developmental disorder, autosomal dominant 1. Last evaluated: 2021-09-08. Review status: criteria provided, single submitter. Criteria: Invitae Variant Classification Sherloc (09022015). Collection method: clinical testing. Allele origin: germline.
Comment: This sequence change replaces glutamic acid with valine at codon 1374 of the MBD5 protein (p.Glu1374Val). The glutamic acid residue is highly conserved and there is a moderate physicochemical difference between glutamic acid and valine. This variant is not present in population databases (ExAC no frequency). This variant has not been reported in the literature in individuals affected with MBD5-related conditions. In summary, the available evidence is currently insufficient to determine the role of this variant in disease. Therefore, it has been classified as a Variant of Uncertain Significance.

NM_001378120.1(MBD5):c.4820A>T (p.Glu1607Val)

Gene: MBD5 (methyl-CpG binding domain protein 5; plus strand). Cytogenetic location: 2q23.1.
Variant type: single nucleotide variant.
Coding change: c.4820A>T on transcript NM_001378120.1 (MANE Select); coding-DNA position 4820, A replaced by T.
Protein change: p.Glu1607Val; replaces glutamic acid 1607 with valine.
Molecular consequence: missense variant.
Genome position (GRCh38, 1-based): chr2:148,490,452, A>T. VCF-style: chr2-148490452-A-T. GRCh37 (hg19) VCF-style: chr2-149248021-A-T.
Other names: c.4121A>T, p.Glu1374Val (NM_018328.5); short protein forms E1374V, E1607V.
Identifiers: ClinVar variation 1056923 (VCV001056923.7), dbSNP rs1470442862, ClinGen allele CA348731578.